The following is an entry in ClinVar:

NM_007294.4(BRCA1):c.5299T>G (p.Cys1767Gly)

Gene: BRCA1 (BRCA1 DNA repair associated; minus strand). Cytogenetic location: 17q21.31.
Variant type: single nucleotide variant.
Coding change: c.5299T>G on transcript NM_007294.4 (MANE Select); coding-DNA position 5299, T replaced by G.
Protein change: p.Cys1767Gly; replaces cysteine 1767 with glycine.
Molecular consequence: missense variant. On other transcripts: non-coding transcript variant (1).
Genome position (GRCh38, 1-based): chr17:43,051,096, A>C on the plus strand (T>G on the coding strand, the complement: BRCA1 is on the minus strand). VCF-style: chr17-43051096-A-C. GRCh37 (hg19) VCF-style: chr17-41203113-A-C.
Other names: c.1849T>G, p.Cys617Gly (NM_001408454.1, NM_001408455.1, NM_001408456.1 and 3 more transcripts); c.1846T>G, p.Cys616Gly (NM_001408458.1, NM_001408459.1, NM_001408460.1 and 7 more transcripts); c.1789T>G, p.Cys597Gly (NM_001408474.1); c.1786T>G, p.Cys596Gly (NM_001408475.1, NM_001408476.1); c.1780T>G, p.Cys594Gly (NM_001408478.1, NM_001408479.1, NM_001408480.1); c.1777T>G, p.Cys593Gly (NM_001408481.1, NM_001408482.1, NM_001408483.1 and 5 more transcripts); c.1726T>G, p.Cys576Gly (NM_001408497.1, NM_001408498.1, NM_001408499.1 and 3 more transcripts); c.1723T>G, p.Cys575Gly (NM_001408502.1, NM_001408503.1, NM_001408504.1); and 72 more; short protein forms C1720G, C1767G, C1788G, C663G, C1470G, C1656G, C1699G, C1724G.
Identifiers: ClinVar variation 867970 (VCV000867970.3), dbSNP rs1567760645, ClinGen allele CA10590950.

Conditions:
Breast-ovarian cancer, familial, susceptibility to, 1 (BROVCA1). Also called: BRCA1 Hereditary Breast and Ovarian Cancer; OVARIAN CANCER, SUSCEPTIBILITY TO. Identifiers: Orphanet 145, MedGen C2676676, MONDO:0011450, OMIM 604370. Disease mechanism: loss of function.

Submission:

Brotman Baty Institute, University of Washington
No classification provided (evidence only). Condition: Breast-ovarian cancer, familial 1. Review status: no classification provided. Collection method: in vitro. Allele origin: not applicable. Functional consequence: function_uncertain_variant.
ClinVar note: "not provided" was previously submitted as the classification for the variant. However, the classification appeared to be based only on an observation of functional data so it was converted to no classification on 2025-07-30.